The following is an entry in ClinVar:

ClinVar aggregate classification (germline): Pathogenic/Likely pathogenic. Review status: criteria provided, multiple submitters, no conflicts (2 of 4 stars). 2 submissions from 2 submitters: Pathogenic (1); Likely pathogenic (1). Last evaluated 2026-01-11.

Conditions:
Combined oxidative phosphorylation defect type 17. Also called: Combined oxidative phosphorylation deficiency 17. Identifiers: Orphanet 369913, MedGen C3809526, MONDO:0014190, OMIM 615440.

Allele frequency attached by ClinVar (database versions not stated): gnomAD exomes below 0.00001 and 0.00001; TOPMed below 0.00001; gnomAD 0.00001; ExAC 0.00002; 1000 Genomes Project 30x 0.00016; 1000 Genomes Project 0.00020.

Submissions (2):

Labcorp Genetics (formerly Invitae), Labcorp
Classification: Pathogenic for Combined oxidative phosphorylation defect type 17. Last evaluated: 2026-01-11. Review status: criteria provided, single submitter. Criteria: Invitae Variant Classification Sherloc (09022015). Collection method: clinical testing. Allele origin: germline.
Comment: This sequence change creates a premature translational stop signal (p.Arg497*) in the ELAC2 gene. It is expected to result in an absent or disrupted protein product. Loss-of-function variants in ELAC2 are known to be pathogenic (PMID: 27769300, 31045291). This variant is present in population databases (rs550032922, gnomAD 0.006%). This variant has not been reported in the literature in individuals affected with ELAC2-related conditions. ClinVar contains an entry for this variant (Variation ID: 1394254). Algorithms developed to predict the effect of sequence changes on RNA splicing suggest that this variant may disrupt the consensus splice site. For these reasons, this variant has been classified as Pathogenic.

3billion
Classification: Likely pathogenic for Combined oxidative phosphorylation defect type 17. Last evaluated: 2022-03-22. Review status: criteria provided, single submitter. Criteria: ACMG Guidelines, 2015. Collection method: clinical testing. Allele origin: germline. Affected: yes. Observed: 1 heterozygote.
Comment: Stop-gained (nonsense): predicted to result in a loss or disruption of normal protein function through nonsense-mediated decay (NMD) or protein truncation. Multiple pathogenic variants are reported downstream of the variant. The variant is observed at an extremely low frequency in the gnomAD v2.1.1 dataset (total allele frequency: 0.0000080). Therefore, this variant is classified as likely pathogenic according to the recommendation of ACMG/AMP guideline.

Literature cited by the submitters: PubMed 27769300 (cited by Labcorp Genetics (formerly Invitae), Labcorp); PubMed 31045291 (cited by Labcorp Genetics (formerly Invitae), Labcorp).

NM_018127.7(ELAC2):c.1489C>T (p.Arg497Ter)

Gene: ELAC2 (elaC ribonuclease Z 2; minus strand). Cytogenetic location: 17p12.
Variant type: single nucleotide variant.
Coding change: c.1489C>T on transcript NM_018127.7 (MANE Select); coding-DNA position 1489, C replaced by T.
Protein change: p.Arg497Ter; replaces arginine 497 with a stop codon.
Molecular consequence: nonsense.
Genome position (GRCh38, 1-based): chr17:12,998,443, G>A on the plus strand (C>T on the coding strand, the complement: ELAC2 is on the minus strand). VCF-style: chr17-12998443-G-A. GRCh37 (hg19) VCF-style: chr17-12901760-G-A.
Other names: c.1369C>T, p.Arg457Ter (NM_001165962.2); c.1486C>T, p.Arg496Ter (NM_173717.2); short protein forms R496*, R497*, R457*.
Identifiers: ClinVar variation 1394254 (VCV001394254.6), dbSNP rs550032922, ClinGen allele CA8401185.